The following is an entry in ClinVar:

ClinVar aggregate classification (germline): Uncertain significance (1 of 4 stars; one submission).

Submission:

Labcorp Genetics (formerly Invitae), Labcorp
Classification: Uncertain significance. Last evaluated: 2023-07-19. Review status: criteria provided, single submitter. Criteria: Invitae Variant Classification Sherloc (09022015). Collection method: clinical testing. Allele origin: germline.
Comment: This sequence change creates a premature translational stop signal (p.Pro2051Leufs*18) in the HMCN1 gene. It is expected to result in an absent or disrupted protein product. However, the current clinical and genetic evidence is not sufficient to establish whether loss-of-function variants in HMCN1 cause disease. This variant is not present in population databases (gnomAD no frequency). This variant has not been reported in the literature in individuals affected with HMCN1-related conditions. In summary, the available evidence is currently insufficient to determine the role of this variant in disease. Therefore, it has been classified as a Variant of Uncertain Significance.

NM_031935.3(HMCN1):c.6152del (p.Pro2051fs)

Gene: HMCN1 (hemicentin 1; plus strand). Cytogenetic location: 1q31.1.
Variant type: Deletion.
Coding change: c.6152del on transcript NM_031935.3 (MANE Select); coding-DNA position 6152, one base deleted (C; older notation c.6152delC).
Protein change: p.Pro2051fs; shifts the reading frame from proline 2051.
Molecular consequence: frameshift variant.
Genome position (GRCh38, 1-based): chr1:186,039,851, C deleted; the last of 2 consecutive C bases (chr1:186,039,850-186,039,851); deleting either gives the same sequence. VCF-style (leftmost placement, unchanged base first): chr1-186039849-TC-T. GRCh37 (hg19) VCF-style: chr1-186008981-TC-T.
Other names: short protein forms P2051fs.
Identifiers: ClinVar variation 2745404 (VCV002745404.3), dbSNP rs2527642793, ClinGen allele CA2697554789.